The following is an entry in ClinVar:

NM_004260.4(RECQL4):c.1176T>G (p.Gly392=)

Gene: RECQL4 (RecQ like helicase 4; minus strand). Cytogenetic location: 8q24.3.
Variant type: single nucleotide variant.
Coding change: c.1176T>G on transcript NM_004260.4 (MANE Select); coding-DNA position 1176, T replaced by G.
Protein change: p.Gly392=; no amino-acid change (glycine 392 retained).
Molecular consequence: synonymous variant.
Genome position (GRCh38, 1-based): chr8:144,515,846, A>C on the plus strand (T>G on the coding strand, the complement: RECQL4 is on the minus strand). VCF-style: chr8-144515846-A-C. GRCh37 (hg19) VCF-style: chr8-145741230-A-C.
Identifiers: ClinVar variation 459309 (VCV000459309.12), dbSNP rs1054027953, ClinGen allele CA4948995.

ClinVar aggregate classification (germline): Conflicting classifications of pathogenicity. Review status: criteria provided, conflicting classifications (1 of 4 stars). 3 submissions from 3 submitters: Uncertain significance (1); Likely benign (2). Last evaluated 2026-01-18.

Conditions:
RECQL4-related disorder. Also called: RECQL4-related disorders; RECQL4-related condition.
Baller-Gerold syndrome (BGS). Also called: CRANIOSYNOSTOSIS WITH RADIAL DEFECTS. Identifiers: Orphanet 1225, MedGen C0265308, MONDO:0009039, OMIM 218600.

Allele frequency attached by ClinVar (database versions not stated): ExAC 0.00004; TOPMed 0.00005; gnomAD exomes 0.00006 and 0.00010; gnomAD 0.00007.

Submissions (3):

Labcorp Genetics (formerly Invitae), Labcorp
Classification: Likely benign for Baller-Gerold syndrome. Last evaluated: 2026-01-18. Review status: criteria provided, single submitter. Criteria: Invitae Variant Classification Sherloc (09022015). Collection method: clinical testing. Allele origin: germline.

PreventionGenetics, part of Exact Sciences
Classification: Uncertain significance for RECQL4-related condition. Last evaluated: 2025-05-19. Review status: criteria provided, single submitter. Criteria: ACMG Guidelines, 2015. Collection method: clinical testing. Allele origin: germline.
Comment: The RECQL4 c.1176T>G variant is not predicted to result in an amino acid change (p.=). This variant is predicted to impact splicing based on a splicing prediction program (SpliceAI, Jaganathan K, et al. 2019. PubMed ID: 30661751). To our knowledge, this variant has not been reported in the literature. This variant is reported in 0.0090% of alleles in individuals of European (Non-Finnish) descent in gnomAD. At this time, the clinical significance of this variant is uncertain due to the absence of conclusive functional and genetic evidence.

Blueprint Genetics
Classification: Likely benign. Last evaluated: 2024-10-16. Review status: criteria provided, single submitter. Criteria: ACMG Guidelines, 2015. Collection method: clinical testing. Allele origin: germline.